The following is an entry in ClinVar:

ClinVar aggregate classification (germline): Likely pathogenic (1 of 4 stars; one submission).

Conditions:
DDX3X-related disorder. Also called: DDX3X-related condition.

Submission:

PreventionGenetics, part of Exact Sciences
Classification: Likely pathogenic for DDX3X-related condition. Last evaluated: 2025-04-02. Review status: criteria provided, single submitter. Criteria: ACMG Guidelines, 2015. Collection method: clinical testing. Allele origin: germline.
Comment: The DDX3X c.680-2A>G variant is predicted to disrupt the AG splice acceptor site and interfere with normal splicing. To our knowledge, this variant has not been reported in the literature or in a large population database (gnomAD), indicating this variant is rare. Variants that disrupt the consensus splice acceptor site in DDX3X are expected to be pathogenic. This variant is interpreted as likely pathogenic.

NM_001356.5(DDX3X):c.680-2A>G

Gene: DDX3X (DEAD-box helicase 3 X-linked; plus strand). Cytogenetic location: Xp11.4.
Variant type: single nucleotide variant.
Coding change: c.680-2A>G on transcript NM_001356.5 (MANE Select); the canonical splice acceptor site of the intron before coding-DNA position 680, A replaced by G.
Molecular consequence: splice acceptor variant.
Genome position (GRCh38, 1-based): chrX:41,343,735, A>G. VCF-style: chrX-41343735-A-G. GRCh37 (hg19) VCF-style: chrX-41202988-A-G.
Other names: c.680-2A>G (NM_001193416.3); c.632-2A>G (NM_001193417.3); c.122-2A>G (NM_001363819.1).
Identifiers: ClinVar variation 5000835 (VCV005000835.1).
Genomic context (GRCh38, chrX:41,343,735, plus strand): 5'-TGTCATCTACCAATGTCTGTTTAAAAGTAATGAGCAGGATTTGTTTGTTTGTTTTTGAAC[A>G]GGGTCTGGAAAAACTGCAGCATTTCTGTTGCCCATCTTGAGTCAGATTTATTCAGATGGT-3'